The following is an entry in ClinVar:

ClinVar aggregate classification (germline): Uncertain significance (1 of 4 stars; one submission).

Submission:

Women's Health and Genetics/Laboratory Corporation of America, LabCorp
Classification: Uncertain significance. Last evaluated: 2024-07-02. Review status: criteria provided, single submitter. Criteria: LabCorp Variant Classification Summary - May 2015. Collection method: clinical testing. Allele origin: germline.
Comment: Variant summary: The variant involves the duplication of exons 4-47 in the CACNA1B gene. The exact breakpoint at the 3' end of this variant is unknown, therefore this duplication may extend downstream of the annotated region of the gene. As it duplicates the termination codon, its effect on the encoded protein is unknown. A presumed nomenclature of c.(530+1_531-1)_(*2621_?)dup has been designated for the purposes of this classification. The variant was absent in 21692 control chromosomes (gnomAD). The available data on variant occurrences in the general population are insufficient to allow any conclusion about variant significance. To our knowledge, no occurrence of c.(530+1_531-1)_(*2621_?)dup in individuals affected with Neurodevelopmental Disorder With Seizures And Nonepileptic Hyperkinetic Movements and no experimental evidence demonstrating its impact on protein function have been reported. ClinVar contains an entry for this variant (Variation ID: 563612). Based on the evidence outlined above, the variant was classified as uncertain significance.

NC_000009.11:g.(140777336_140807631)_(141019072_?)dup

Gene: CACNA1B (calcium voltage-gated channel subunit alpha1 B; plus strand). Cytogenetic location: 9q34.3.
Variant type: Duplication.
Identifiers: ClinVar variation 3339207 (VCV003339207.1).